The following is an entry in ClinVar:

NM_001278116.2(L1CAM):c.3665A>G (p.Asp1222Gly)

Gene: L1CAM (L1 cell adhesion molecule; minus strand). Cytogenetic location: Xq28.
Variant type: single nucleotide variant.
Coding change: c.3665A>G on transcript NM_001278116.2 (MANE Select); coding-DNA position 3665, A replaced by G.
Protein change: p.Asp1222Gly; replaces aspartic acid 1222 with glycine.
Molecular consequence: missense variant.
Genome position (GRCh38, 1-based): chrX:153,862,772, T>C on the plus strand (A>G on the coding strand, the complement: L1CAM is on the minus strand). VCF-style: chrX-153862772-T-C. GRCh37 (hg19) VCF-style: chrX-153128227-T-C.
Other names: c.3665A>G, p.Asp1222Gly (NM_000425.5); c.3638A>G, p.Asp1213Gly (NM_001143963.2); c.3653A>G, p.Asp1218Gly (NM_024003.3); short protein forms D1213G, D1218G, D1222G.
Identifiers: ClinVar variation 3359127 (VCV003359127.2).

ClinVar aggregate classification (germline): Uncertain significance (1 of 4 stars; one submission).

Conditions:
MASA syndrome. Also called: CRASH syndrome; ADDUCTED THUMB WITH MENTAL RETARDATION; CLASPED THUMB AND MENTAL RETARDATION; GAREIS-MASON SYNDROME; MENTAL RETARDATION, APHASIA, SHUFFLING GAIT, AND ADDUCTED THUMBS; SPASTIC PARAPLEGIA 1, X-LINKED. Identifiers: Orphanet 2466, MedGen C0795953, MONDO:0010559, OMIM 303350.

gnomAD v4.1: 1 of 1,211,864 alleles (0.000083%); highest among the groups gnomAD compares: Non-Finnish European, 0.00011%; no homozygotes.

Submission:

Institute of Human Genetics, University of Leipzig Medical Center
Classification: Uncertain significance for MASA syndrome. Last evaluated: 2023-11-03. Review status: criteria provided, single submitter. Criteria: ACMG Guidelines, 2015. Collection method: clinical testing. Allele origin: unknown. Inheritance: X-linked recessive inheritance. Affected: yes.
Comment: Criteria applied: PM2_SUP,PP3